The following is an entry in ClinVar:

NM_004715.5(CTDP1):c.759A>G (p.Ala253=)

Gene: CTDP1 (CTD phosphatase 1; plus strand). Cytogenetic location: 18q23.
Variant type: single nucleotide variant.
Coding change: c.759A>G on transcript NM_004715.5 (MANE Select); coding-DNA position 759, A replaced by G.
Protein change: p.Ala253=; no amino-acid change (alanine 253 retained).
Molecular consequence: synonymous variant.
Genome position (GRCh38, 1-based): chr18:79,704,904, A>G. VCF-style: chr18-79704904-A-G. GRCh37 (hg19) VCF-style: chr18-77464904-A-G.
Other names: p.Ala253=; c.402A>G, p.Ala134= (NM_001202504.1); c.759A>G, p.Ala253= (NM_001318511.2, NM_048368.4).
Identifiers: ClinVar variation 2053041 (VCV002053041.9), dbSNP rs978655653, ClinGen allele CA504600792.

ClinVar aggregate classification (germline): Likely benign. Review status: criteria provided, multiple submitters, no conflicts (2 of 4 stars). 5 submissions from 5 submitters: Likely benign (4). 1 of the submissions does not count toward it. Last evaluated 2025-09-15.

Conditions:
CTDP1-related disorder. Also called: CTDP1-related condition.

Allele frequency attached by ClinVar (database versions not stated): gnomAD exomes 0.00001.
gnomAD v4.1: 6 of 1,613,340 alleles (0.00037%); highest among the groups gnomAD compares: Admixed American, 0.0067%; no homozygotes.

Submissions (5):

Women's Health and Genetics/Laboratory Corporation of America, LabCorp
Classification: Likely benign. Last evaluated: 2025-09-15. Review status: criteria provided, single submitter. Criteria: LabCorp Variant Classification Summary - May 2015. Collection method: clinical testing. Allele origin: germline.

Mayo Clinic Laboratories, Mayo Clinic
Classification: Likely benign. Last evaluated: 2025-05-27. Review status: criteria provided, single submitter. Criteria: ACMG Guidelines, 2015. Collection method: clinical testing. Allele origin: germline. Observed: 1 variant allele.
Comment: BP4, BP7

Labcorp Genetics (formerly Invitae), Labcorp
Classification: Likely benign. Last evaluated: 2025-03-18. Review status: criteria provided, single submitter. Criteria: Invitae Variant Classification Sherloc (09022015). Collection method: clinical testing. Allele origin: germline.

Blueprint Genetics
Classification: Likely benign. Last evaluated: 2024-11-13. Review status: criteria provided, single submitter. Criteria: ACMG Guidelines, 2015. Collection method: clinical testing. Allele origin: germline.

PreventionGenetics, part of Exact Sciences
Classification: Likely benign for CTDP1-related condition. Last evaluated: 2019-03-20. Review status: no assertion criteria provided. Collection method: clinical testing. Allele origin: germline. Not counted in ClinVar's aggregate classification.
Comment: This variant is classified as likely benign based on ACMG/AMP sequence variant interpretation guidelines (Richards et al. 2015 PMID: 25741868, with internal and published modifications).